The following is an entry in ClinVar:

ClinVar aggregate classification (germline): Uncertain significance (1 of 4 stars; one submission).

Conditions:
MEGF10-related myopathy (CMYO10A). Also called: Congenital myopathy 10A, severe variant. Identifiers: Orphanet 439212, MedGen C3280679, MONDO:0013731, OMIM 614399.

Submission:

Labcorp Genetics (formerly Invitae), Labcorp
Classification: Uncertain significance for MEGF10-related myopathy. Last evaluated: 2022-04-23. Review status: criteria provided, single submitter. Criteria: Invitae Variant Classification Sherloc (09022015). Collection method: clinical testing. Allele origin: germline.
Comment: This sequence change affects the initiator methionine of the MEGF10 mRNA. The next in-frame methionine is located at codon 87. This variant is not present in population databases (gnomAD no frequency). This variant has not been reported in the literature in individuals affected with MEGF10-related conditions. Experimental studies and prediction algorithms are not available or were not evaluated, and the functional significance of this variant is currently unknown. This variant disrupts a region of the MEGF10 protein in which other variant(s) (p.Arg77Gln) have been observed in individuals with MEGF10-related conditions (PMID: 26802438). This suggests that this is a clinically significant region of the protein, and that variants that disrupt it are likely to be disease-causing. In summary, the available evidence is currently insufficient to determine the role of this variant in disease. Therefore, it has been classified as a Variant of Uncertain Significance.

Literature cited by the submitters: PubMed 26802438.

NM_001256545.2(MEGF10):c.3G>T (p.Met1Ile)

Gene: MEGF10 (multiple EGF like domains 10; plus strand). Cytogenetic location: 5q23.2.
Variant type: single nucleotide variant.
Coding change: c.3G>T on transcript NM_001256545.2 (MANE Select); coding-DNA position 3, G replaced by T.
Protein change: p.Met1Ile; changes the start codon (methionine 1).
Molecular consequence: missense variant, initiator codon variant.
Genome position (GRCh38, 1-based): chr5:127,331,311, G>T. VCF-style: chr5-127331311-G-T. GRCh37 (hg19) VCF-style: chr5-126667003-G-T.
Other names: c.3G>T, p.Met1Ile (NM_001308119.2, NM_001308121.2, NM_032446.3); short protein forms M1I.
Identifiers: ClinVar variation 2129496 (VCV002129496.2), dbSNP rs2479403911, ClinGen allele CA360820596.
Genomic context (GRCh38, chr5:127,331,311, plus strand): 5'-TTTCAATGCATTTCTAATTGGGATTTTTTCTTTCTTGTAGGTTGTTCTTCAGAAAAAAAT[G>T]GTTATTTCTTTGAACTCATGCCTGAGCTTTATTTGTTTATTGTTATGCCACTGGATTGGG-3'
Protein context (NP_001243474.1, residues 1-11): [Met1Ile]VISLNSCLSF